The following is an entry in ClinVar:

NM_201384.3(PLEC):c.6701G>A (p.Arg2234His)

Gene: PLEC (plectin; minus strand). Cytogenetic location: 8q24.3.
Variant type: single nucleotide variant.
Coding change: c.6701G>A on transcript NM_201384.3 (MANE Select); coding-DNA position 6701, G replaced by A.
Protein change: p.Arg2234His; replaces arginine 2234 with histidine.
Molecular consequence: missense variant.
Genome position (GRCh38, 1-based): chr8:143,923,228, C>T on the plus strand (G>A on the coding strand, the complement: PLEC is on the minus strand). VCF-style: chr8-143923228-C-T. GRCh37 (hg19) VCF-style: chr8-144997396-C-T.
Other names: c.6782G>A, p.Arg2261His (NM_000445.5); c.6659G>A, p.Arg2220His (NM_201378.4); c.6635G>A, p.Arg2212His (NM_201379.3); c.7112G>A, p.Arg2371His (NM_201380.4); c.6605G>A, p.Arg2202His (NM_201381.3); c.6701G>A, p.Arg2234His (NM_201382.4); c.6713G>A, p.Arg2238His (NM_201383.3); short protein forms R2202H, R2212H, R2220H, R2234H, R2238H, R2261H, R2371H.
Identifiers: ClinVar variation 448077 (VCV000448077.13), dbSNP rs369374252, ClinGen allele CA4925893.

ClinVar aggregate classification (germline): Uncertain significance. Review status: criteria provided, multiple submitters, no conflicts (2 of 4 stars). 5 submissions from 5 submitters: Uncertain significance (5). Last evaluated 2025-05-11.

Conditions:
Epidermolysis bullosa simplex 5B, with muscular dystrophy (EBS5B). Also called: EPIDERMOLYSIS BULLOSA SIMPLEX AND LIMB-GIRDLE MUSCULAR DYSTROPHY; Epidermolysis bullosa simplex with muscular dystrophy. Identifiers: Orphanet 257, MedGen C2931072, MONDO:0009181, OMIM 226670.
Epidermolysis bullosa simplex, Ogna type (EBS5A). Also called: EPIDERMOLYSIS BULLOSA SIMPLEX 5A, OGNA TYPE; Pidermolysis bullosa simplex 5A, Ogna type. Identifiers: Orphanet 79401, MedGen C0432317, MONDO:0007555, OMIM 131950.
Epidermolysis bullosa simplex 5C, with pyloric atresia (EBS5C). Also called: PLEC1-Related Epidermolysis Bullosa with Pyloric Atresia; PLEC-Related Epidermolysis Bullosa with Pyloric Atresia; Epidermolysis bullosa simplex with pyloric atresia. Identifiers: Orphanet 158684, MedGen C2677349, MONDO:0012807, OMIM 612138.
Epidermolysis bullosa simplex with nail dystrophy (EBS5D). Identifiers: MedGen C4225309, MONDO:0014661, OMIM 616487.
Autosomal recessive limb-girdle muscular dystrophy type 2Q (LGMDR17). Also called: MUSCULAR DYSTROPHY, LIMB-GIRDLE, AUTOSOMAL RECESSIVE 17. Identifiers: Orphanet 254361, MedGen C3150989, MONDO:0013390, OMIM 613723.
Inborn genetic diseases. Identifiers: MedGen C0950123, MeSH D030342.

Allele frequency attached by ClinVar (database versions not stated): ExAC 0.00003; gnomAD exomes 0.00003 and 0.00004; TOPMed 0.00003; gnomAD 0.00004 and 0.00006; ESP Exome Variant Server 0.00008.
gnomAD v4.1: 51 of 1,603,466 alleles (0.0032%); highest among the groups gnomAD compares: Middle Eastern, 0.016%; no homozygotes.

Submissions (5):

Labcorp Genetics (formerly Invitae), Labcorp
Classification: Uncertain significance for Autosomal recessive limb-girdle muscular dystrophy type 2Q; Epidermolysis bullosa simplex, Ogna type; Epidermolysis bullosa simplex with nail dystrophy; Epidermolysis bullosa simplex 5C, with pyloric atresia; Epidermolysis bullosa simplex 5B, with muscular dystrophy. Last evaluated: 2025-05-11. Review status: criteria provided, single submitter. Criteria: Invitae Variant Classification Sherloc (09022015). Collection method: clinical testing. Allele origin: germline.
Comment: This sequence change replaces arginine, which is basic and polar, with histidine, which is basic and polar, at codon 2261 of the PLEC protein (p.Arg2261His). This variant is present in population databases (rs369374252, gnomAD 0.01%). This variant has not been reported in the literature in individuals affected with PLEC-related conditions. ClinVar contains an entry for this variant (Variation ID: 448077). An algorithm developed to predict the effect of missense changes on protein structure and function (PolyPhen-2) suggests that this variant is likely to be disruptive. In summary, the available evidence is currently insufficient to determine the role of this variant in disease. Therefore, it has been classified as a Variant of Uncertain Significance.

Ambry Genetics
Classification: Uncertain significance for Inborn genetic diseases. Last evaluated: 2024-07-31. Review status: criteria provided, single submitter. Criteria: Ambry Variant Classification Scheme 2023. Collection method: clinical testing. Allele origin: germline.

Revvity Omics, Revvity
Classification: Uncertain significance. Last evaluated: 2021-10-13. Review status: criteria provided, single submitter. Criteria: ACMG Guidelines, 2015. Collection method: clinical testing. Allele origin: germline.

Eurofins Ntd Llc (ga)
Classification: Uncertain significance. Last evaluated: 2017-03-07. Review status: criteria provided, single submitter. Criteria: EGL Classification Definitions 2015. Collection method: clinical testing. Allele origin: germline. Observed: 1 variant allele, 1 heterozygote.

Athena Diagnostics
Classification: Uncertain significance. Last evaluated: 2016-12-30. Review status: criteria provided, single submitter. Criteria: Athena Diagnostics Criteria. Collection method: clinical testing. Allele origin: germline.